The following is an entry in ClinVar:

ClinVar aggregate classification (germline): Uncertain significance (1 of 4 stars; one submission).

Conditions:
Parathyroid carcinoma (PRTC). Also called: CDC73-Related Parathyroid Carcinoma; Parathyroid gland carcinoma. Identifiers: Orphanet 143, MedGen C0687150, MONDO:0012004, OMIM 608266, HP:0006780.

Submission:

Labcorp Genetics (formerly Invitae), Labcorp
Classification: Uncertain significance for Parathyroid carcinoma. Last evaluated: 2024-04-22. Review status: criteria provided, single submitter. Criteria: Invitae Variant Classification Sherloc (09022015). Collection method: clinical testing. Allele origin: germline.
Comment: This sequence change replaces tryptophan, which is neutral and slightly polar, with cysteine, which is neutral and slightly polar, at codon 43 of the CDC73 protein (p.Trp43Cys). This variant is not present in population databases (gnomAD no frequency). This variant has not been reported in the literature in individuals affected with CDC73-related conditions. An algorithm developed to predict the effect of missense changes on protein structure and function (PolyPhen-2) suggests that this variant is likely to be tolerated. In summary, the available evidence is currently insufficient to determine the role of this variant in disease. Therefore, it has been classified as a Variant of Uncertain Significance.

NM_024529.5(CDC73):c.129G>C (p.Trp43Cys)

Gene: CDC73 (cell division cycle 73; plus strand). Cytogenetic location: 1q31.2.
Variant type: single nucleotide variant.
Coding change: c.129G>C on transcript NM_024529.5 (MANE Select); coding-DNA position 129, G replaced by C.
Protein change: p.Trp43Cys; replaces tryptophan 43 with cysteine.
Molecular consequence: missense variant.
Genome position (GRCh38, 1-based): chr1:193,122,329, G>C. VCF-style: chr1-193122329-G-C. GRCh37 (hg19) VCF-style: chr1-193091459-G-C.
Other names: short protein forms W43C.
Identifiers: ClinVar variation 3650499 (VCV003650499.2).